The following is an entry in ClinVar:

NM_007118.4(TRIO):c.5749G>C (p.Val1917Leu)

Gene: TRIO (trio Rho guanine nucleotide exchange factor; plus strand). Cytogenetic location: 5p15.2.
Variant type: single nucleotide variant.
Coding change: c.5749G>C on transcript NM_007118.4 (MANE Select); coding-DNA position 5749, G replaced by C.
Protein change: p.Val1917Leu; replaces valine 1917 with leucine.
Molecular consequence: missense variant. On other transcripts: non-coding transcript variant (1).
Genome position (GRCh38, 1-based): chr5:14,465,626, G>C. VCF-style: chr5-14465626-G-C. GRCh37 (hg19) VCF-style: chr5-14465735-G-C.
Other names: short protein forms V1917L.
Identifiers: ClinVar variation 2662401 (VCV002662401.2), dbSNP rs1174403108, ClinGen allele CA359233421.

ClinVar aggregate classification (germline): Uncertain significance (1 of 4 stars; one submission).

gnomAD v4.1: 1 of 1,613,968 alleles (0.000062%); highest among the groups gnomAD compares: East Asian, 0.0022%; no homozygotes.

Submission:

GeneDx
Classification: Uncertain significance. Last evaluated: 2025-09-12. Review status: criteria provided, single submitter. Criteria: GeneDx Variant Classification Process June 2021. Collection method: clinical testing. Allele origin: germline.
Comment: Not observed at significant frequency in large population cohorts (gnomAD); In silico analysis suggests that this missense variant does not alter protein structure/function; Has not been previously published as pathogenic or benign to our knowledge